The following is an entry in ClinVar:

NM_000493.4(COL10A1):c.1945C>T (p.Gln649Ter)

Genes: COL10A1 (collagen type X alpha 1 chain; minus strand), NT5DC1 (5'-nucleotidase domain containing 1; plus strand). Cytogenetic location: 6q22.1.
Variant type: single nucleotide variant.
Coding change: c.1945C>T on transcript NM_000493.4 (MANE Select); coding-DNA position 1945, C replaced by T.
Protein change: p.Gln649Ter; replaces glutamine 649 with a stop codon.
Molecular consequence: nonsense. On other transcripts: intron variant (1).
Genome position (GRCh38, 1-based): chr6:116,120,171, G>A on the plus strand (C>T on the coding strand, the complement: COL10A1 is on the minus strand). VCF-style: chr6-116120171-G-A. GRCh37 (hg19) VCF-style: chr6-116441334-G-A.
Other names: c.1945C>T, p.Gln649Ter (NM_001424106.1, NM_001424107.1); c.529+2226G>A (NM_152729.3); short protein forms Q649*.
Identifiers: ClinVar variation 3235752 (VCV003235752.1), dbSNP rs2534083734, ClinGen allele CA365386346.

ClinVar aggregate classification (germline): Pathogenic (1 of 4 stars; one submission).

Conditions:
Metaphyseal chondrodysplasia, Schmid type (MCDS). Also called: SPONDYLOMETAPHYSEAL DYSPLASIA, JAPANESE TYPE. Identifiers: Orphanet 174, MedGen C0265289, MONDO:0007983, OMIM 156500.

Submission:

Greenwood Genetic Center Diagnostic Laboratories, Greenwood Genetic Center
Classification: Pathogenic for Metaphyseal chondrodysplasia, Schmid type. Last evaluated: 2024-02-20. Review status: criteria provided, single submitter. Criteria: ACMG Guidelines, 2015. Collection method: clinical testing. Allele origin: germline. Affected: yes.
Comment: PVS1, PS4_Supporting, PM2, PM6